The following is an entry in ClinVar:

NM_032043.3(BRIP1):c.2481G>C (p.Gln827His)

Gene: BRIP1 (BRCA1 interacting DNA helicase 1; minus strand). Cytogenetic location: 17q23.2.
Variant type: single nucleotide variant.
Coding change: c.2481G>C on transcript NM_032043.3 (MANE Select); coding-DNA position 2481, G replaced by C.
Protein change: p.Gln827His; replaces glutamine 827 with histidine.
Molecular consequence: missense variant.
Genome position (GRCh38, 1-based): chr17:61,715,962, C>G on the plus strand (G>C on the coding strand, the complement: BRIP1 is on the minus strand). VCF-style: chr17-61715962-C-G. GRCh37 (hg19) VCF-style: chr17-59793323-C-G.
Other names: short protein forms Q827H.
Identifiers: ClinVar variation 919473 (VCV000919473.13), dbSNP rs2061853111, ClinGen allele CA400479422.

ClinVar aggregate classification (germline): Uncertain significance. Review status: criteria provided, multiple submitters, no conflicts (2 of 4 stars). 2 submissions from 2 submitters: Uncertain significance (2). Last evaluated 2023-12-04.

Conditions:
Familial cancer of breast. Also called: hereditary breast carcinoma; BREAST CANCER, FAMILIAL; Hereditary breast cancer. Identifiers: Orphanet 227535, MedGen C0346153, MONDO:0016419, OMIM 114480. Disease mechanism: loss of function.
Fanconi anemia complementation group J. Also called: BRIP1-Related Fanconi Anemia. Identifiers: Orphanet 84, MedGen C1836860, MONDO:0012187, OMIM 609054.
Hereditary cancer-predisposing syndrome. Also called: Hereditary Cancer Syndrome; Hereditary neoplastic syndrome; Neoplastic Syndromes, Hereditary; Tumor predisposition. Identifiers: Orphanet 140162, MedGen C0027672, MeSH D009386, MONDO:0015356.

Submissions (2):

Color Diagnostics, LLC DBA Color Health
Classification: Uncertain significance for Hereditary cancer-predisposing syndrome. Last evaluated: 2023-12-04. Review status: criteria provided, single submitter. Criteria: ACMG Guidelines, 2015. Collection method: clinical testing. Allele origin: germline.
Comment: This missense variant replaces glutamine with histidine at codon 827 of the BRIP1 protein. Computational prediction suggests that this variant may have deleterious impact on protein structure and function (internally defined REVEL score threshold >= 0.7, PMID: 27666373). To our knowledge, functional studies have not been reported for this variant. This variant has not been reported in individuals affected with BRIP1-related disorders in the literature. This variant has not been identified in the general population by the Genome Aggregation Database (gnomAD). The available evidence is insufficient to determine the role of this variant in disease conclusively. Therefore, this variant is classified as a Variant of Uncertain Significance.

Labcorp Genetics (formerly Invitae), Labcorp
Classification: Uncertain significance for Familial cancer of breast; Fanconi anemia complementation group J. Last evaluated: 2021-03-26. Review status: criteria provided, single submitter. Criteria: Invitae Variant Classification Sherloc (09022015). Collection method: clinical testing. Allele origin: germline.
Comment: In summary, the available evidence is currently insufficient to determine the role of this variant in disease. Therefore, it has been classified as a Variant of Uncertain Significance. Algorithms developed to predict the effect of missense changes on protein structure and function are either unavailable or do not agree on the potential impact of this missense change (SIFT: "Deleterious"; PolyPhen-2: "Probably Damaging"; Align-GVGD: "Class C15"). This variant has not been reported in the literature in individuals with BRIP1-related conditions. ClinVar contains an entry for this variant (Variation ID: 919473). This variant is not present in population databases (ExAC no frequency). This sequence change replaces glutamine with histidine at codon 827 of the BRIP1 protein (p.Gln827His). The glutamine residue is highly conserved and there is a small physicochemical difference between glutamine and histidine.